The following is an entry in ClinVar:

ClinVar aggregate classification (germline): Uncertain significance. Review status: criteria provided, multiple submitters, no conflicts (2 of 4 stars). 4 submissions from 4 submitters: Uncertain significance (4). Last evaluated 2026-01-25.

Conditions:
Cardiovascular phenotype. Identifiers: MedGen CN230736.
Danon disease. Also called: ANTOPOL DISEASE; PSEUDOGLYCOGENOSIS II; GSD IIb; LYSOSOMAL GLYCOGEN STORAGE DISEASE WITHOUT ACID MALTASE DEFICIENCY; Glycogen Storage Disease Type IIb. Identifiers: Orphanet 34587, MedGen C0878677, MONDO:0010281, OMIM 300257.

Allele frequency attached by ClinVar (database versions not stated): gnomAD exomes 0.00002.
gnomAD v4.1: 11 of 1,206,071 alleles (0.00091%); highest among the groups gnomAD compares: Non-Finnish European, 0.0012%; no homozygotes.

Submissions (4):

Labcorp Genetics (formerly Invitae), Labcorp
Classification: Uncertain significance for Danon disease. Last evaluated: 2026-01-25. Review status: criteria provided, single submitter. Criteria: Invitae Variant Classification Sherloc (09022015). Collection method: clinical testing. Allele origin: germline.
Comment: This sequence change replaces threonine, which is neutral and polar, with isoleucine, which is neutral and non-polar, at codon 124 of the LAMP2 protein (p.Thr124Ile). This variant is not present in population databases (gnomAD no frequency). This missense change has been observed in individual(s) with hypertrophic cardiomyopathy (PMID: 27532257, 32150461). ClinVar contains an entry for this variant (Variation ID: 44428). Invitae Evidence Modeling of protein sequence and biophysical properties (such as structural, functional, and spatial information, amino acid conservation, physicochemical variation, residue mobility, and thermodynamic stability) indicates that this missense variant is not expected to disrupt LAMP2 protein function with a negative predictive value of 80%. In summary, the available evidence is currently insufficient to determine the role of this variant in disease. Therefore, it has been classified as a Variant of Uncertain Significance.

Blueprint Genetics
Classification: Uncertain significance. Last evaluated: 2024-07-02. Review status: criteria provided, single submitter. Criteria: ACMG Guidelines, 2015. Collection method: clinical testing. Allele origin: germline.

Ambry Genetics
Classification: Uncertain significance for Cardiovascular phenotype. Last evaluated: 2020-05-07. Review status: criteria provided, single submitter. Criteria: Ambry Variant Classification Scheme 2023. Collection method: clinical testing. Allele origin: germline.

Laboratory for Molecular Medicine, Mass General Brigham Personalized Medicine
Classification: Uncertain significance. Last evaluated: 2012-06-22. Review status: criteria provided, single submitter. Criteria: LMM Criteria. Collection method: clinical testing. Allele origin: germline. Observed: 2 variant alleles.
Comment: Variant classified as Uncertain Significance - Favor Benign. This variant has not been identif ied in large and broad populations by the NHLBI Exome Sequencing Project. This low frequency supports a pathogenic role. Howe ver, threonine (Thr) at position 124 is not conserved in mammals or chicken, red ucing the likelihood that the change is pathogenic. In addition, pathogenic miss ense variants are rare in the LAMP2 gene, as most disease causing variants lead to a loss of function. Computational analyses (biochemical amino acid properties , AlignGVGD, PolyPhen2, and SIFT) suggest that the Thr124Ile variant may not imp act the protein, though this information is not predictive enough to rule out pa thogenicity. In summary, although this data suggests that the Thr124Ile variant is likely benign, in the absence of additional information its clinical signific ance cannot be determined.

Literature cited by the submitters: PubMed 27532257 (cited by Labcorp Genetics (formerly Invitae), Labcorp); PubMed 32150461 (cited by Labcorp Genetics (formerly Invitae), Labcorp).

NM_002294.3(LAMP2):c.371C>T (p.Thr124Ile)

Gene: LAMP2 (lysosome associated membrane protein 2; minus strand). Cytogenetic location: Xq24.
Variant type: single nucleotide variant.
Coding change: c.371C>T on transcript NM_002294.3 (MANE Select); coding-DNA position 371, C replaced by T.
Protein change: p.Thr124Ile; replaces threonine 124 with isoleucine.
Molecular consequence: missense variant.
Genome position (GRCh38, 1-based): chrX:120,455,383, G>A on the plus strand (C>T on the coding strand, the complement: LAMP2 is on the minus strand). VCF-style: chrX-120455383-G-A. GRCh37 (hg19) VCF-style: chrX-119589238-G-A.
Other names: c.371C>T, p.Thr124Ile (NM_001122606.1, NM_013995.2); short protein forms T124I.
Identifiers: ClinVar variation 44428 (VCV000044428.8), dbSNP rs397516744, ClinGen allele CA134118.